The following is an entry in ClinVar:

NM_001042492.3(NF1):c.1261-3_1261-2delinsAGC

Gene: NF1 (neurofibromin 1; plus strand). Cytogenetic location: 17q11.2.
Variant type: Indel.
Coding change: c.1261-3_1261-2delinsAGC on transcript NM_001042492.3 (MANE Select); 3 bases into the intron before coding-DNA position 1261 through the canonical splice acceptor site of the intron before coding-DNA position 1261, TA replaced by AGC.
Molecular consequence: splice acceptor variant.
Genome position (GRCh38, 1-based): chr17:31,206,237-31,206,238, TA replaced by AGC. VCF-style: chr17-31206237-TA-AGC. GRCh37 (hg19) VCF-style: chr17-29533255-TA-AGC.
Other names: c.1261-3_1261-2delinsAGC (NM_000267.4, NM_001128147.3); c.1261-3_1261-2delTAinsAGC (NM_000267.3).
Identifiers: ClinVar variation 3404707 (VCV003404707.1).

ClinVar aggregate classification (germline): Likely pathogenic (1 of 4 stars; one submission).

Conditions:
Hereditary cancer-predisposing syndrome. Also called: Hereditary Cancer Syndrome; Tumor predisposition; Hereditary neoplastic syndrome; Neoplastic Syndromes, Hereditary. Identifiers: Orphanet 140162, MedGen C0027672, MeSH D009386, MONDO:0015356.
Cardiovascular phenotype. Identifiers: MedGen CN230736.

Submission:

Ambry Genetics
Classification: Likely pathogenic for Cardiovascular phenotype; Hereditary cancer-predisposing syndrome. Last evaluated: 2024-09-10. Review status: criteria provided, single submitter. Criteria: Ambry Variant Classification Scheme 2023. Collection method: clinical testing. Allele origin: germline.
Comment: The c.1261-3_1261-2delTAinsAGC intronic variant, located in intron 11 of the NF1 gene, results from the deletion of two nucleotides (TA) and the insertion of 3 nucleotides (AGC) before coding exon 12 of the NF1 gene. This variant is considered to be rare based on population cohorts in the Genome Aggregation Database (gnomAD). The canonical nucleotide position is highly conserved in available vertebrate species. In silico splice site analysis predicts that this alteration will weaken the native splice acceptor site and will result in the creation or strengthening of a novel splice acceptor site. RNA studies have demonstrated that this alteration results in abnormal splicing in the set of samples tested (Ambry internal data). Alterations that disrupt the canonical splice site are expected to cause aberrant splicing, resulting in an abnormal protein or a transcript that is subject to nonsense-mediated mRNA decay. As such, this alteration is classified as likely pathogenic.